The following is an entry in ClinVar:

ClinVar aggregate classification (germline): Uncertain significance (1 of 4 stars; one submission).

Conditions:
Intellectual developmental disorder, autosomal recessive 7. Also called: Intellectual disability, autosomal recessive 7. Identifiers: Orphanet 88616, MedGen C1970197, MONDO:0012615, OMIM 611093.

Allele frequency attached by ClinVar (database versions not stated): gnomAD 0.00001; ExAC 0.00002; gnomAD exomes 0.00002.
gnomAD v4.1: 31 of 1,613,854 alleles (0.0019%); highest among the groups gnomAD compares: Non-Finnish European, 0.0025%; no homozygotes.

Submissions (2):

Labcorp Genetics (formerly Invitae), Labcorp
Classification: Uncertain significance for Intellectual developmental disorder, autosomal recessive 7. Last evaluated: 2023-11-27. Review status: criteria provided, single submitter. Criteria: Invitae Variant Classification Sherloc (09022015). Collection method: clinical testing. Allele origin: germline.
Comment: This sequence change replaces asparagine, which is neutral and polar, with isoleucine, which is neutral and non-polar, at codon 288 of the TUSC3 protein (p.Asn288Ile). This variant is present in population databases (rs767851145, gnomAD 0.002%). This variant has not been reported in the literature in individuals affected with TUSC3-related conditions. ClinVar contains an entry for this variant (Variation ID: 2178051). An algorithm developed to predict the effect of missense changes on protein structure and function (PolyPhen-2) suggests that this variant is likely to be disruptive. Algorithms developed to predict the effect of sequence changes on RNA splicing suggest that this variant may disrupt the consensus splice site. In summary, the available evidence is currently insufficient to determine the role of this variant in disease. Therefore, it has been classified as a Variant of Uncertain Significance.

Dr. Peter K. Rogan Lab, Western University
No classification provided (evidence only). Condition: Clear cell carcinoma of kidney. Review status: no classification provided. Collection method: in vitro. Allele origin: not applicable. Functional consequence: retained intron. Not counted in ClinVar's aggregate classification.

NM_006765.4(TUSC3):c.863A>T (p.Asn288Ile)

Gene: TUSC3 (tumor suppressor candidate 3; plus strand). Cytogenetic location: 8p22.
Variant type: single nucleotide variant.
Coding change: c.863A>T on transcript NM_006765.4 (MANE Select); coding-DNA position 863, A replaced by T.
Protein change: p.Asn288Ile; replaces asparagine 288 with isoleucine.
Molecular consequence: missense variant.
Genome position (GRCh38, 1-based): chr8:15,743,538, A>T. VCF-style: chr8-15743538-A-T. GRCh37 (hg19) VCF-style: chr8-15601047-A-T.
Other names: c.863A>T, p.Asn288Ile (NM_001356429.2, NM_001413583.1, NM_001413673.1 and 10 more transcripts); c.695A>T, p.Asn232Ile (NM_001413669.1, NM_001413671.1, NM_001413672.1); c.803A>T, p.Asn268Ile (NM_001413670.1); c.431A>T, p.Asn144Ile (NM_001413677.1); c.476A>T, p.Asn159Ile (NM_001413678.1); c.857A>T, p.Asn286Ile (NM_001413690.1); short protein forms N159I, N232I, N268I, N286I, N288I, N144I.
Identifiers: ClinVar variation 2178051 (VCV002178051.3), dbSNP rs767851145, ClinGen allele CA4640631.